The following is an entry in ClinVar:

ClinVar aggregate classification (germline): Pathogenic (1 of 4 stars; one submission).

Conditions:
Developmental delay with variable intellectual impairment and behavioral abnormalities. Identifiers: MedGen C5193092, MONDO:0032745, OMIM 618430.

Submission:

Victorian Clinical Genetics Services, Murdoch Childrens Research Institute
Classification: Pathogenic for Developmental delay with variable intellectual impairment and behavioral abnormalities. Last evaluated: 2020-05-21. Review status: criteria provided, single submitter. Criteria: ACMG Guidelines, 2015. Collection method: clinical testing. Allele origin: germline. Inheritance: Autosomal dominant inheritance. Affected: yes.
Comment: Based on the classification scheme VCGS_Germline_v1.1.1, this variant is classified as Pathogenic. Following criteria are met: 0102 - Loss-of-function is a known mechanism of disease for this gene. (N) 0107 - This gene is known to be associated with autosomal dominant disease. (N) 0201 - Variant is predicted to cause nonsense-mediated decay (NMD) and loss of protein (exon 2 of 6). (P) 0251 - Variant is heterozygous. (N) 0301 - Variant is absent from gnomAD. (P) 0701 - Comparable NMD-predicted variants have very strong previous evidence for pathogenicity (ClinVar, PMID: 30819258, 30739909) (P) 0807 - Variant has not previously been reported in a clinical context. (N) 0905 - No segregation evidence has been identified for this variant. (N) 1007 - No published functional evidence has been identified for this variant. (N) 1208 - Inheritance information for this variant is not currently available. (N) Legend: (P) - Pathogenic, (N) - Neutral, (B) - Benign

Literature cited by the submitters: PubMed 30739909; PubMed 30819258.

NM_001378418.1(TCF20):c.2380C>T (p.Gln794Ter)

Gene: TCF20 (transcription factor 20; minus strand). Cytogenetic location: 22q13.2.
Variant type: single nucleotide variant.
Coding change: c.2380C>T on transcript NM_001378418.1 (MANE Select); coding-DNA position 2380, C replaced by T.
Protein change: p.Gln794Ter; replaces glutamine 794 with a stop codon.
Molecular consequence: nonsense.
Genome position (GRCh38, 1-based): chr22:42,212,926, G>A on the plus strand (C>T on the coding strand, the complement: TCF20 is on the minus strand). VCF-style: chr22-42212926-G-A. GRCh37 (hg19) VCF-style: chr22-42608932-G-A.
Other names: c.2380C>T, p.Gln794Ter (NM_005650.4, NM_181492.3); short protein forms Q794*.
Identifiers: ClinVar variation 1805578 (VCV001805578.1), dbSNP rs1179947634, ClinGen allele CA411788780.